The following is an entry in ClinVar:

NM_000264.5(PTCH1):c.1451G>C (p.Gly484Ala)

Gene: PTCH1 (patched 1; minus strand). Cytogenetic location: 9q22.32.
Variant type: single nucleotide variant.
Coding change: c.1451G>C on transcript NM_000264.5 (MANE Select); coding-DNA position 1451, G replaced by C.
Protein change: p.Gly484Ala; replaces glycine 484 with alanine.
Molecular consequence: missense variant. On other transcripts: non-coding transcript variant (1), intron variant (1).
Genome position (GRCh38, 1-based): chr9:95,477,599, C>G on the plus strand (G>C on the coding strand, the complement: PTCH1 is on the minus strand). VCF-style: chr9-95477599-C-G. GRCh37 (hg19) VCF-style: chr9-98239881-C-G.
Other names: c.1253G>C, p.Gly418Ala (NM_001083602.3); c.1448G>C, p.Gly483Ala (NM_001083603.3); c.998G>C, p.Gly333Ala (NM_001083604.3, NM_001083605.3, NM_001083606.3 and 1 more transcripts); c.1347+456G>C (NM_001354918.2); short protein forms G483A, G484A, G333A, G418A.
Identifiers: ClinVar variation 1772965 (VCV001772965.3), dbSNP rs1841155284, ClinGen allele CA374118477.

ClinVar aggregate classification (germline): Uncertain significance (1 of 4 stars; one submission).

Conditions:
Hereditary cancer-predisposing syndrome. Also called: Hereditary Cancer Syndrome; Hereditary neoplastic syndrome; Neoplastic Syndromes, Hereditary; Tumor predisposition. Identifiers: Orphanet 140162, MedGen C0027672, MeSH D009386, MONDO:0015356.

Allele frequency attached by ClinVar (database versions not stated): TOPMed below 0.00001.

Submission:

Ambry Genetics
Classification: Uncertain significance for Hereditary cancer-predisposing syndrome. Last evaluated: 2024-03-20. Review status: criteria provided, single submitter. Criteria: Ambry Variant Classification Scheme 2023. Collection method: clinical testing. Allele origin: germline.
Comment: The p.G484A variant (also known as c.1451G>C), located in coding exon 10 of the PTCH1 gene, results from a G to C substitution at nucleotide position 1451. The glycine at codon 484 is replaced by alanine, an amino acid with similar properties. This amino acid position is highly conserved in available vertebrate species. In addition, this alteration is predicted to be deleterious by in silico analysis. Since supporting evidence is limited at this time, the clinical significance of this alteration remains unclear.